The following is an entry in ClinVar:

NM_005035.4(POLRMT):c.3437T>G (p.Phe1146Cys)

Gene: POLRMT (RNA polymerase mitochondrial; minus strand). Cytogenetic location: 19p13.3.
Variant type: single nucleotide variant.
Coding change: c.3437T>G on transcript NM_005035.4 (MANE Select); coding-DNA position 3437, T replaced by G.
Protein change: p.Phe1146Cys; replaces phenylalanine 1146 with cysteine.
Molecular consequence: missense variant. On other transcripts: non-coding transcript variant (1).
Genome position (GRCh38, 1-based): chr19:617,835, A>C on the plus strand (T>G on the coding strand, the complement: POLRMT is on the minus strand). VCF-style: chr19-617835-A-C. GRCh37 (hg19) VCF-style: chr19-617835-A-C.
Other names: c.3458T>G, p.Phe1153Cys (NM_001407805.1); c.3449T>G, p.Phe1150Cys (NM_001407806.1); c.3446T>G, p.Phe1149Cys (NM_001407807.1, NM_001407808.1); c.3428T>G, p.Phe1143Cys (NM_001407809.1); c.3425T>G, p.Phe1142Cys (NM_001407810.1); c.3416T>G, p.Phe1139Cys (NM_001407811.1); c.3398T>G, p.Phe1133Cys (NM_001407812.1); c.3395T>G, p.Phe1132Cys (NM_001407813.1); and 10 more; short protein forms F1012C, F1025C, F1035C, F1038C, F1045C, F1071C, F1112C, F1113C.
Identifiers: ClinVar variation 4813547 (VCV004813547.1).

ClinVar aggregate classification (germline): Uncertain significance (1 of 4 stars; one submission).

Conditions:
Combined oxidative phosphorylation deficiency 55 (COXPD55). Identifiers: MedGen C5676915, MONDO:0859228, OMIM 619743.

Submission:

Mendelics
Classification: Uncertain significance for Combined oxidative phosphorylation deficiency 55. Last evaluated: 2026-03-05. Review status: criteria provided, single submitter. Criteria: ACMG Guidelines, 2015. Collection method: clinical testing. Allele origin: unknown.
Comment: The available evidence is insufficient to conclusively determine the role of this variant. Therefore, it is classified as a Variant of Uncertain Significance.